The following is an entry in ClinVar:

ClinVar aggregate classification (germline): Uncertain significance (1 of 4 stars; one submission).

Allele frequency attached by ClinVar (database versions not stated): gnomAD exomes below 0.00001.
gnomAD v4.1: 1 of 1,614,148 alleles (0.000062%); highest among the groups gnomAD compares: Non-Finnish European, 0.000085%; no homozygotes.

Submission:

Ambry Genetics
Classification: Uncertain significance. Last evaluated: 2022-04-05. Review status: criteria provided, single submitter. Criteria: Ambry Variant Classification Scheme 2023. Collection method: clinical testing. Allele origin: germline.
Comment: The p.S53F variant (also known as c.158C>T), located in coding exon 1 of the PALLD gene, results from a C to T substitution at nucleotide position 158. The serine at codon 53 is replaced by phenylalanine, an amino acid with highly dissimilar properties. This amino acid position is conserved. In addition, this alteration is predicted to be tolerated by in silico analysis. Since supporting evidence is limited at this time, the clinical significance of this alteration remains unclear.

NM_001166108.2(PALLD):c.158C>T (p.Ser53Phe)

Gene: PALLD (palladin, cytoskeletal associated protein; plus strand). Cytogenetic location: 4q32.3.
Variant type: single nucleotide variant.
Coding change: c.158C>T on transcript NM_001166108.2 (MANE Select); coding-DNA position 158, C replaced by T.
Protein change: p.Ser53Phe; replaces serine 53 with phenylalanine.
Molecular consequence: missense variant.
Genome position (GRCh38, 1-based): chr4:168,511,662, C>T. VCF-style: chr4-168511662-C-T. GRCh37 (hg19) VCF-style: chr4-169432813-C-T.
Other names: c.158C>T, p.Ser53Phe (NM_016081.4); short protein forms S53F.
Identifiers: ClinVar variation 1775881 (VCV001775881.2), dbSNP rs1224742641, ClinGen allele CA358724850.